The following is an entry in ClinVar:

ClinVar aggregate classification (germline): Uncertain significance (1 of 4 stars; one submission).

Conditions:
Neurofibromatosis, type 2 (SWNV). Also called: SCHWANNOMATOSIS, VESTIBULAR; BILATERAL ACOUSTIC NEUROFIBROMATOSIS; NF2-Related Schwannomatosis. Identifiers: Orphanet 637, MedGen C0027832, MONDO:0007039, OMIM 101000. Disease mechanism: loss of function.

Submission:

Labcorp Genetics (formerly Invitae), Labcorp
Classification: Uncertain significance for Neurofibromatosis, type 2. Last evaluated: 2022-01-15. Review status: criteria provided, single submitter. Criteria: Invitae Variant Classification Sherloc (09022015). Collection method: clinical testing. Allele origin: germline.
Comment: This variant is not present in population databases (gnomAD no frequency). This sequence change replaces glutamine, which is neutral and polar, with histidine, which is basic and polar, at codon 536 of the NF2 protein (p.Gln536His). Algorithms developed to predict the effect of missense changes on protein structure and function are either unavailable or do not agree on the potential impact of this missense change (SIFT: "Deleterious"; PolyPhen-2: "Probably Damaging"; Align-GVGD: "Class C0"). This variant has not been reported in the literature in individuals affected with NF2-related conditions. In summary, the available evidence is currently insufficient to determine the role of this variant in disease. Therefore, it has been classified as a Variant of Uncertain Significance.

NM_000268.4(NF2):c.1608G>C (p.Gln536His)

Gene: NF2 (NF2, moesin-ezrin-radixin like (MERLIN) tumor suppressor; plus strand). Cytogenetic location: 22q12.2.
Variant type: single nucleotide variant.
Coding change: c.1608G>C on transcript NM_000268.4 (MANE Select); coding-DNA position 1608, G replaced by C.
Protein change: p.Gln536His; replaces glutamine 536 with histidine.
Molecular consequence: missense variant. On other transcripts: non-coding transcript variant (1), intron variant (1).
Genome position (GRCh38, 1-based): chr22:29,681,472, G>C. VCF-style: chr22-29681472-G-C. GRCh37 (hg19) VCF-style: chr22-30077461-G-C.
Other names: c.1494G>C, p.Gln498His (NM_001407053.1, NM_001407056.1); c.1485G>C, p.Gln495His (NM_001407054.1, NM_001407058.1, NM_181829.3); c.1482G>C, p.Gln494His (NM_001407055.1, NM_181828.3); c.1473G>C, p.Gln491His (NM_001407057.1, NM_001407059.1); c.1350G>C, p.Gln450His (NM_001407062.1); c.1359G>C, p.Gln453His (NM_001407063.1, NM_181830.3, NM_181831.3); c.1074G>C, p.Gln358His (NM_001407065.1); c.1608G>C, p.Gln536His (NM_001407066.1, NM_016418.5, NM_181825.3 and 1 more transcripts); and 2 more; short protein forms Q358H, Q450H, Q453H, Q459H, Q491H, Q494H, Q495H, Q498H.
Identifiers: ClinVar variation 2420016 (VCV002420016.10), dbSNP rs2518734246, ClinGen allele CA411150063.
Genomic context (GRCh38, chr22:29,681,472, plus strand): 5'-TGATGCATGATACCCTCTTGCCGGCAGAGTGGAATACATGGAAAAGAGCAAGCATCTGCA[G>C]GAGCAGCTCAATGAACTCAAGACAGAAATCGAGGCCTTGAAACTGAAAGAGAGGGAGACA-3'
Protein context (NP_000259.1, residues 526-546): VEYMEKSKHL[Gln536His]EQLNELKTEI